The following is an entry in ClinVar:

ClinVar aggregate classification (germline): Uncertain significance (1 of 4 stars; one submission).

Conditions:
Primary ciliary dyskinesia. Also called: Ciliary dyskinesia. Identifiers: Orphanet 244, MedGen C0008780, MONDO:0016575, HP:0012265.

Allele frequency attached by ClinVar (database versions not stated): TOPMed 0.00001; gnomAD 0.00003.
gnomAD v4.1: 22 of 1,613,852 alleles (0.0014%); highest among the groups gnomAD compares: East Asian, 0.0045%; no homozygotes.

Submission:

Labcorp Genetics (formerly Invitae), Labcorp
Classification: Uncertain significance for Primary ciliary dyskinesia. Last evaluated: 2023-09-19. Review status: criteria provided, single submitter. Criteria: Invitae Variant Classification Sherloc (09022015). Collection method: clinical testing. Allele origin: germline.
Comment: This variant has not been reported in the literature in individuals affected with DNAH8-related conditions. In summary, the available evidence is currently insufficient to determine the role of this variant in disease. Therefore, it has been classified as a Variant of Uncertain Significance. Experimental studies and prediction algorithms are not available or were not evaluated, and the functional significance of this variant is currently unknown. This variant is present in population databases (no rsID available, gnomAD 0.004%). This sequence change replaces serine, which is neutral and polar, with leucine, which is neutral and non-polar, at codon 1661 of the DNAH8 protein (p.Ser1661Leu).

NM_001206927.2(DNAH8):c.4982C>T (p.Ser1661Leu)

Gene: DNAH8 (dynein axonemal heavy chain 8; plus strand). Cytogenetic location: 6p21.2.
Variant type: single nucleotide variant.
Coding change: c.4982C>T on transcript NM_001206927.2 (MANE Select); coding-DNA position 4982, C replaced by T.
Protein change: p.Ser1661Leu; replaces serine 1661 with leucine.
Molecular consequence: missense variant.
Genome position (GRCh38, 1-based): chr6:38,845,710, C>T. VCF-style: chr6-38845710-C-T. GRCh37 (hg19) VCF-style: chr6-38813486-C-T.
Other names: c.4331C>T, p.Ser1444Leu (NM_001371.4); short protein forms S1444L, S1661L.
Identifiers: ClinVar variation 2888696 (VCV002888696.3), dbSNP rs1293165543, ClinGen allele CA364007037.